The following is an entry in ClinVar:

NM_139343.3(BIN1):c.85-246G>A

Gene: BIN1 (bridging integrator 1; minus strand). Cytogenetic location: 2q14.3.
Variant type: single nucleotide variant.
Coding change: c.85-246G>A on transcript NM_139343.3 (MANE Select); 246 bases into the intron before coding-DNA position 85, G replaced by A.
Molecular consequence: intron variant.
Genome position (GRCh38, 1-based): chr2:127,076,952, C>T on the plus strand (G>A on the coding strand, the complement: BIN1 is on the minus strand). VCF-style: chr2-127076952-C-T. GRCh37 (hg19) VCF-style: chr2-127834528-C-T.
Other names: c.4-246G>A (NM_001320642.1); c.13-246G>A (NM_001320634.1); c.85-246G>A (NM_139351.3, NM_139350.3, NM_139349.3 and 10 more transcripts).
Identifiers: ClinVar variation 678123 (VCV000678123.1), dbSNP rs13430398, ClinGen allele CA11082077.

ClinVar aggregate classification (germline): Benign (1 of 4 stars; one submission).

Allele frequency attached by ClinVar (database versions not stated): 1000 Genomes Project 0.17192; TOPMed 0.17204; 1000 Genomes Project 30x 0.17239; gnomAD 0.18104 and 0.18111.
gnomAD v4.1: 27,469 of 151,996 alleles (18%); highest among the groups gnomAD compares: South Asian, 25%; 2,655 homozygotes.

Submission:

GeneDx
Classification: Benign. Last evaluated: 2018-06-16. Review status: criteria provided, single submitter. Criteria: GeneDx Variant Classification (06012015). Collection method: clinical testing. Allele origin: germline. Affected: yes.
Comment: This variant is considered likely benign or benign based on one or more of the following criteria: it is a conservative change, it occurs at a poorly conserved position in the protein, it is predicted to be benign by multiple in silico algorithms, and/or has population frequency not consistent with disease.